The following is an entry in ClinVar:

ClinVar aggregate classification (germline): Benign/Likely benign. Review status: criteria provided, multiple submitters, no conflicts (2 of 4 stars). 10 submissions from 9 submitters: Benign (7); Likely benign (2). 1 of the submissions does not count toward it. Last evaluated 2026-02-03.

Conditions:
Developmental and epileptic encephalopathy, 14 (DEE14). Also called: Early infantile epileptic encephalopathy 14. Identifiers: Orphanet 293181, MedGen C3554195, MONDO:0013989, OMIM 614959.
Autosomal dominant nocturnal frontal lobe epilepsy 5. Also called: Epilepsy, nocturnal frontal lobe, 5; KCNT1-Related Epilepsy; CILIARY DYSKINESIA, PRIMARY, 28, WITHOUT SITUS INVERSUS; CILIARY DYSKINESIA, PRIMARY, 28, WITH SITUS INVERSUS. Identifiers: Orphanet 98784, MedGen C3554306, MONDO:0014002, OMIM 615005.

Allele frequency attached by ClinVar (database versions not stated): gnomAD exomes 0.00298 and 0.00559; ExAC 0.00617; gnomAD 0.01429 and 0.01357; 1000 Genomes Project 0.01238; ESP Exome Variant Server 0.01430; 1000 Genomes Project 30x 0.01312; TOPMed 0.01555.
gnomAD v4.1: 6,571 of 1,601,074 alleles (0.41%); highest among the groups gnomAD compares: African/African-American, 4.2%; 94 homozygotes.

Submissions (10):

Labcorp Genetics (formerly Invitae), Labcorp
Classification: Benign for Autosomal dominant nocturnal frontal lobe epilepsy 5; Developmental and epileptic encephalopathy, 14. Last evaluated: 2026-02-03. Review status: criteria provided, single submitter. Criteria: Invitae Variant Classification Sherloc (09022015). Collection method: clinical testing. Allele origin: germline.

Athena Diagnostics
Classification: Benign. Last evaluated: 2024-10-02. Review status: criteria provided, single submitter. Criteria: Athena Diagnostics Criteria. Collection method: clinical testing. Allele origin: unknown.

Genome-Nilou Lab
Classification: Benign for Developmental and epileptic encephalopathy, 14. Last evaluated: 2022-03-15. Review status: criteria provided, single submitter. Criteria: ACMG Guidelines, 2015. Collection method: clinical testing. Allele origin: germline. Affected: no.

Genome-Nilou Lab
Classification: Benign for Autosomal dominant nocturnal frontal lobe epilepsy 5. Last evaluated: 2022-03-15. Review status: criteria provided, single submitter. Criteria: ACMG Guidelines, 2015. Collection method: clinical testing. Allele origin: germline. Affected: no.

Mayo Clinic Laboratories, Mayo Clinic
Classification: Benign. Last evaluated: 2018-07-16. Review status: criteria provided, single submitter. Criteria: ACMG Guidelines, 2015. Collection method: clinical testing. Allele origin: germline. Observed: 20 variant alleles.

Center for Pediatric Genomic Medicine, Children's Mercy Hospital and Clinics
Classification: Likely benign. Last evaluated: 2017-01-12. Review status: criteria provided, single submitter. Criteria: ACMG Guidelines, 2015. Collection method: clinical testing. Allele origin: germline.
ClinVar note: Converted during submission from Likely Benign to Likely benign.

GeneDx
Classification: Benign. Last evaluated: 2016-01-13. Review status: criteria provided, single submitter. Criteria: GeneDx Variant Classification (06012015). Collection method: clinical testing. Allele origin: germline. Affected: yes.
Comment: This variant is considered likely benign or benign based on one or more of the following criteria: it is a conservative change, it occurs at a poorly conserved position in the protein, it is predicted to be benign by multiple in silico algorithms, and/or has population frequency not consistent with disease.

Breakthrough Genomics
Classification: Likely benign. Review status: criteria provided, single submitter. Criteria: ACMG Guidelines, 2015. Collection method: not provided. Allele origin: germline. Inheritance: Autosomal dominant inheritance. Affected: yes.

PreventionGenetics, part of Exact Sciences
Classification: Benign. Review status: criteria provided, single submitter. Criteria: ACMG Guidelines, 2015. Collection method: clinical testing. Allele origin: germline.

Genetic Services Laboratory, University of Chicago
Classification: Likely benign for AllHighlyPenetrant. Review status: no assertion criteria provided. Collection method: clinical testing. Allele origin: germline. Inheritance: Autosomal dominant inheritance. Not counted in ClinVar's aggregate classification.
Comment: Likely benign based on allele frequency in 1000 Genomes Project or ESP global frequency and its presence in a patient with a rare or unrelated disease phenotype. NOT Sanger confirmed.

NM_020822.3(KCNT1):c.2943+6C>T

Gene: KCNT1 (potassium sodium-activated channel subfamily T member 1; plus strand). Cytogenetic location: 9q34.3.
Variant type: single nucleotide variant.
Coding change: c.2943+6C>T on transcript NM_020822.3 (MANE Select); 6 bases into the intron after coding-DNA position 2943, C replaced by T.
Molecular consequence: intron variant.
Genome position (GRCh38, 1-based): chr9:135,784,131, C>T. VCF-style: chr9-135784131-C-T. GRCh37 (hg19) VCF-style: chr9-138675977-C-T.
Other names: p.?; c.2808+6C>T (NM_001272003.2).
Identifiers: ClinVar variation 129361 (VCV000129361.24), dbSNP rs28612938, ClinGen allele CA153313.